The following is an entry in ClinVar:

ClinVar aggregate classification (germline): Uncertain significance (1 of 4 stars; one submission).

Conditions:
Hereditary cancer-predisposing syndrome. Also called: Tumor predisposition; Neoplastic Syndromes, Hereditary; Hereditary neoplastic syndrome; Hereditary Cancer Syndrome. Identifiers: Orphanet 140162, MedGen C0027672, MeSH D009386, MONDO:0015356.

Submission:

Ambry Genetics
Classification: Uncertain significance for Hereditary cancer-predisposing syndrome. Last evaluated: 2024-06-30. Review status: criteria provided, single submitter. Criteria: Ambry Variant Classification Scheme 2023. Collection method: clinical testing. Allele origin: germline.
Comment: The p.E445A variant (also known as c.1334A>C) is located in coding exon 12 of the TSC1 gene. The glutamic acid at codon 445 is replaced by alanine, an amino acid with dissimilar properties. This change occurs in the first base pair of coding exon 12. This amino acid position is conserved. In addition, this alteration is predicted to be tolerated by in silico analysis. Based on the available evidence, the clinical significance of this variant remains unclear.

NM_000368.5(TSC1):c.1334A>C (p.Glu445Ala)

Gene: TSC1 (TSC complex subunit 1; minus strand). Cytogenetic location: 9q34.13.
Variant type: single nucleotide variant.
Coding change: c.1334A>C on transcript NM_000368.5 (MANE Select); coding-DNA position 1334, A replaced by C.
Protein change: p.Glu445Ala; replaces glutamic acid 445 with alanine.
Molecular consequence: missense variant. On other transcripts: non-coding transcript variant (5).
Genome position (GRCh38, 1-based): chr9:132,906,835, T>G on the plus strand (A>C on the coding strand, the complement: TSC1 is on the minus strand). VCF-style: chr9-132906835-T-G. GRCh37 (hg19) VCF-style: chr9-135782222-T-G.
Other names: c.1331A>C, p.Glu444Ala (NM_001162426.2, NM_001406597.1, NM_001406598.1 and 6 more transcripts); c.1181A>C, p.Glu394Ala (NM_001162427.2, NM_001406610.1); c.971A>C, p.Glu324Ala (NM_001362177.2, NM_001406614.1, NM_001406615.1 and 5 more transcripts); c.1334A>C, p.Glu445Ala (NM_001406592.1, NM_001406593.1, NM_001406594.1 and 7 more transcripts); c.1178A>C, p.Glu393Ala (NM_001406611.1, NM_001406612.1, NM_001406613.1); c.968A>C, p.Glu323Ala (NM_001406620.1, NM_001406621.1, NM_001406622.1 and 2 more transcripts); c.383A>C, p.Glu128Ala (NM_001406626.1); c.380A>C, p.Glu127Ala (NM_001406627.1, NM_001406628.1); and 1 more; short protein forms E394A, E444A, E94A, E128A, E324A, E323A, E393A, E445A.
Identifiers: ClinVar variation 3462449 (VCV003462449.1).